The following is an entry in ClinVar:

NM_006389.5(HYOU1):c.1822C>T (p.Pro608Ser)

Gene: HYOU1 (hypoxia up-regulated 1; minus strand). Cytogenetic location: 11q23.3.
Variant type: single nucleotide variant.
Coding change: c.1822C>T on transcript NM_006389.5 (MANE Select); coding-DNA position 1822, C replaced by T.
Protein change: p.Pro608Ser; replaces proline 608 with serine.
Molecular consequence: missense variant.
Genome position (GRCh38, 1-based): chr11:119,049,188, G>A on the plus strand (C>T on the coding strand, the complement: HYOU1 is on the minus strand). VCF-style: chr11-119049188-G-A. GRCh37 (hg19) VCF-style: chr11-118919900-G-A.
Other names: c.1822C>T, p.Pro608Ser (NM_001130991.3, NM_001411041.1); short protein forms P608S.
Identifiers: ClinVar variation 2722517 (VCV002722517.3), dbSNP rs199831152, ClinGen allele CA382931998.

ClinVar aggregate classification (germline): Uncertain significance (1 of 4 stars; one submission).

Submission:

Labcorp Genetics (formerly Invitae), Labcorp
Classification: Uncertain significance. Last evaluated: 2022-12-25. Review status: criteria provided, single submitter. Criteria: Invitae Variant Classification Sherloc (09022015). Collection method: clinical testing. Allele origin: germline.
Comment: In summary, the available evidence is currently insufficient to determine the role of this variant in disease. Therefore, it has been classified as a Variant of Uncertain Significance. Algorithms developed to predict the effect of missense changes on protein structure and function are either unavailable or do not agree on the potential impact of this missense change (SIFT: "Tolerated"; PolyPhen-2: "Not Available"; Align-GVGD: "Class C0"). This variant has not been reported in the literature in individuals affected with HYOU1-related conditions. This variant is not present in population databases (gnomAD no frequency). This sequence change replaces proline, which is neutral and non-polar, with serine, which is neutral and polar, at codon 608 of the HYOU1 protein (p.Pro608Ser).